The following is an entry in ClinVar:

NM_012208.4(HARS2):c.788A>C (p.Glu263Ala)

Gene: HARS2 (histidyl-tRNA synthetase 2, mitochondrial; plus strand). Cytogenetic location: 5q31.3.
Variant type: single nucleotide variant.
Coding change: c.788A>C on transcript NM_012208.4 (MANE Select); coding-DNA position 788, A replaced by C.
Protein change: p.Glu263Ala; replaces glutamic acid 263 with alanine.
Molecular consequence: missense variant.
Genome position (GRCh38, 1-based): chr5:140,696,576, A>C. VCF-style: chr5-140696576-A-C. GRCh37 (hg19) VCF-style: chr5-140076161-A-C.
Other names: c.713A>C, p.Glu238Ala (NM_001278731.2); c.356A>C, p.Glu119Ala (NM_001278732.2); c.806A>C, p.Glu269Ala (NM_001363535.2); c.578A>C, p.Glu193Ala (NM_001363536.2); short protein forms E193A, E238A, E119A, E263A, E269A.
Identifiers: ClinVar variation 1998983 (VCV001998983.4), dbSNP rs2481379053, ClinGen allele CA361199280.
Genomic context (GRCh38, chr5:140,696,576, plus strand): 5'-TGCAGATGGCTTGGAAAGATGTGAGACATGAGATGGTGGTGAAGAAAGGCCTGGCTCCTG[A>C]GGTGGCTGATCGAATTGGGGACTATGTCCAGTGTCATGGTAAGAACCAGGGTTTTCAGAG-3'
Protein context (NP_036340.1, residues 253-273): EMVVKKGLAP[Glu263Ala]VADRIGDYVQ

ClinVar aggregate classification (germline): Uncertain significance (1 of 4 stars; one submission).

Submission:

Labcorp Genetics (formerly Invitae), Labcorp
Classification: Uncertain significance. Last evaluated: 2022-05-25. Review status: criteria provided, single submitter. Criteria: Invitae Variant Classification Sherloc (09022015). Collection method: clinical testing. Allele origin: germline.
Comment: In summary, the available evidence is currently insufficient to determine the role of this variant in disease. Therefore, it has been classified as a Variant of Uncertain Significance. Algorithms developed to predict the effect of missense changes on protein structure and function (SIFT, PolyPhen-2, Align-GVGD) all suggest that this variant is likely to be tolerated. This variant has not been reported in the literature in individuals affected with HARS2-related conditions. This variant is not present in population databases (gnomAD no frequency). This sequence change replaces glutamic acid, which is acidic and polar, with alanine, which is neutral and non-polar, at codon 263 of the HARS2 protein (p.Glu263Ala).